The following is an entry in ClinVar:

NM_032188.3(KAT8):c.431G>A (p.Arg144His)

Gene: KAT8 (lysine acetyltransferase 8; plus strand). Cytogenetic location: 16p11.2.
Variant type: single nucleotide variant.
Coding change: c.431G>A on transcript NM_032188.3 (MANE Select); coding-DNA position 431, G replaced by A.
Protein change: p.Arg144His; replaces arginine 144 with histidine.
Molecular consequence: missense variant.
Genome position (GRCh38, 1-based): chr16:31,120,483, G>A. VCF-style: chr16-31120483-G-A. GRCh37 (hg19) VCF-style: chr16-31131804-G-A.
Other names: c.431G>A, p.Arg144His (NM_182958.4); short protein forms R144H.
Identifiers: ClinVar variation 4041167 (VCV004041167.3).

ClinVar aggregate classification (germline): Uncertain significance. Review status: criteria provided, multiple submitters, no conflicts (2 of 4 stars). 2 submissions from 2 submitters: Uncertain significance (2). Last evaluated 2025-07-07.

Conditions:
Inborn genetic diseases. Identifiers: MedGen C0950123, MeSH D030342.

Submissions (2):

Ambry Genetics
Classification: Uncertain significance for Inborn genetic diseases. Last evaluated: 2025-07-07. Review status: criteria provided, single submitter. Criteria: Ambry Variant Classification Scheme 2023. Collection method: clinical testing. Allele origin: germline.
Comment: The c.431G>A (p.R144H) alteration is located in exon 3 (coding exon 3) of the KAT8 gene. This alteration results from a G to A substitution at nucleotide position 431, causing the arginine (R) at amino acid position 144 to be replaced by a histidine (H). This variant was not reported in population-based cohorts in the Genome Aggregation Database (gnomAD). Another variant at the same codon, c.430C>T (p.R144C), has been identified in an individual with features consistent with KAT8-related neurodevelopmental disorder (Kaplanis, 2020). This amino acid position is highly conserved in available vertebrate species. This missense alteration is located in a region that has a low rate of benign missense variation (Lek, 2016; Firth, 2009). The in silico prediction for this alteration is inconclusive. Based on insufficient or conflicting evidence, the clinical significance of this alteration remains unclear.

GeneDx
Classification: Uncertain significance. Last evaluated: 2025-05-29. Review status: criteria provided, single submitter. Criteria: GeneDx Variant Classification Process June 2021. Collection method: clinical testing. Allele origin: germline. Affected: yes.
Comment: Not observed at significant frequency in large population cohorts (gnomAD); In silico analysis supports that this missense variant has a deleterious effect on protein structure/function; Has not been previously published as pathogenic or benign to our knowledge

Literature cited by the submitters: PubMed 33057194 (cited by Ambry Genetics).